The following is an entry in ClinVar:

ClinVar aggregate classification (germline): Likely benign. Review status: criteria provided, multiple submitters, no conflicts (2 of 4 stars). 5 submissions from 5 submitters: Likely benign (4). 1 of the submissions does not count toward it. Last evaluated 2026-01-21.

Conditions:
ABL1-related disorder. Also called: ABL1-related condition.
Inborn genetic diseases. Identifiers: MedGen C0950123, MeSH D030342.

Allele frequency attached by ClinVar (database versions not stated): ESP Exome Variant Server 0.00016; ExAC 0.00037; gnomAD 0.00037 and 0.00038; gnomAD exomes 0.00037; 1000 Genomes Project 0.00040; TOPMed 0.00042; 1000 Genomes Project 30x 0.00047.
gnomAD v4.1: 674 of 1,609,178 alleles (0.042%); highest among the groups gnomAD compares: South Asian, 0.072%; 2 homozygotes.

Submissions (5):

Labcorp Genetics (formerly Invitae), Labcorp
Classification: Likely benign. Last evaluated: 2026-01-21. Review status: criteria provided, single submitter. Criteria: Invitae Variant Classification Sherloc (09022015). Collection method: clinical testing. Allele origin: germline.

PreventionGenetics, part of Exact Sciences
Classification: Likely benign for ABL1-related condition. Last evaluated: 2025-01-22. Review status: criteria provided, single submitter. Criteria: ACMG Guidelines, 2015. Collection method: clinical testing. Allele origin: germline.
Comment: This variant is classified as likely benign based on ACMG/AMP sequence variant interpretation guidelines (Richards et al. 2015 PMID: 25741868, with internal and published modifications).

Blueprint Genetics
Classification: Likely benign. Last evaluated: 2024-10-18. Review status: criteria provided, single submitter. Criteria: ACMG Guidelines, 2015. Collection method: clinical testing. Allele origin: germline.

Ambry Genetics
Classification: Likely benign for Inborn genetic diseases. Last evaluated: 2021-07-14. Review status: criteria provided, single submitter. Criteria: Ambry Variant Classification Scheme 2023. Collection method: clinical testing. Allele origin: germline.

ITMI
No classification provided. Condition: AllHighlyPenetrant. Last evaluated: 2013-09-19. Review status: no classification provided. Collection method: reference population. Allele origin: germline. Not counted in ClinVar's aggregate classification.
Comment: Please see associated publication for description of ethnicities

Literature cited by the submitters: PubMed 24728327 (cited by ITMI).

NM_005157.6(ABL1):c.2009A>G (p.Asn670Ser)

Gene: ABL1 (ABL proto-oncogene 1, non-receptor tyrosine kinase; plus strand). Cytogenetic location: 9q34.12.
Variant type: single nucleotide variant.
Coding change: c.2009A>G on transcript NM_005157.6 (MANE Select); coding-DNA position 2009, A replaced by G.
Protein change: p.Asn670Ser; replaces asparagine 670 with serine.
Molecular consequence: missense variant.
Genome position (GRCh38, 1-based): chr9:130,884,299, A>G. VCF-style: chr9-130884299-A-G. GRCh37 (hg19) VCF-style: chr9-133759686-A-G.
Other names: c.2066A>G, p.Asn689Ser (NM_007313.3); c.2066A>G (NM_007313.2); short protein forms N670S, N689S.
Identifiers: ClinVar variation 133434 (VCV000133434.12), dbSNP rs61746126, ClinGen allele CA156512.